The following is an entry in ClinVar:

ClinVar aggregate classification (germline): Uncertain significance (1 of 4 stars; one submission).

Conditions:
Malignant hyperthermia, susceptibility to, 5 (MHS5). Also called: CACNA1S-Related Malignant Hyperthermia Susceptibility. Identifiers: Orphanet 423, MedGen C1866077, MONDO:0011163, OMIM 601887.

gnomAD v4.1: 2 of 1,613,974 alleles (0.00012%); highest among the groups gnomAD compares: South Asian, 0.0011%; no homozygotes.

Submission:

All of Us Research Program, National Institutes of Health
Classification: Uncertain significance for Malignant hyperthermia, susceptibility to, 5. Last evaluated: 2023-11-30. Review status: criteria provided, single submitter. Criteria: ACMG Guidelines, 2015. Collection method: clinical testing. Allele origin: germline. Inheritance: Autosomal dominant inheritance. Observed: 2 variant alleles, 2 heterozygotes.
Comment: This missense variant replaces arginine with leucine at codon 29 of the CACNA1S protein. Computational prediction is inconclusive regarding the impact of this variant on protein structure and function (internally defined REVEL score threshold 0.5 < inconclusive < 0.7, PMID: 27666373). To our knowledge, functional studies have not been reported for this variant. This variant has not been reported in individuals affected with CACNA1S-related disorders in the literature. This variant has not been identified in the general population by the Genome Aggregation Database (gnomAD). The available evidence is insufficient to determine the role of this variant in disease conclusively. Therefore, this variant is classified as a Variant of Uncertain Significance.

This study involves interpretation of variants in research participants for the purpose of population health screening. Participant phenotype was not available at the time of variant classification. Additional details can be found in publication PMID: 35346344, PMCID: PMC8962531

NM_000069.3(CACNA1S):c.86G>T (p.Arg29Leu)

Gene: CACNA1S (calcium voltage-gated channel subunit alpha1 S; minus strand). Cytogenetic location: 1q32.1.
Variant type: single nucleotide variant.
Coding change: c.86G>T on transcript NM_000069.3 (MANE Select); coding-DNA position 86, G replaced by T.
Protein change: p.Arg29Leu; replaces arginine 29 with leucine.
Molecular consequence: missense variant.
Genome position (GRCh38, 1-based): chr1:201,112,254, C>A on the plus strand (G>T on the coding strand, the complement: CACNA1S is on the minus strand). VCF-style: chr1-201112254-C-A. GRCh37 (hg19) VCF-style: chr1-201081382-C-A.
Other names: short protein forms R29L.
Identifiers: ClinVar variation 3073042 (VCV003073042.1), dbSNP rs758594181, ClinGen allele CA344158157.